The following is an entry in ClinVar:

ClinVar aggregate classification (germline): Uncertain significance (1 of 4 stars; one submission).

Conditions:
Familial sleep-related hypermotor epilepsy. Also called: Autosomal Dominant Sleep-Related Hypermotor (Hyperkinetic) Epilepsy. Identifiers: Orphanet 98784, MedGen C3696898, MONDO:0000030.

Allele frequency attached by ClinVar (database versions not stated): gnomAD exomes 0.00001 and 0.00003; ExAC 0.00002.

Submission:

Labcorp Genetics (formerly Invitae), Labcorp
Classification: Uncertain significance. Last evaluated: 2025-12-05. Review status: criteria provided, single submitter. Criteria: Invitae Variant Classification Sherloc (09022015). Collection method: clinical testing. Allele origin: germline.
Comment: This sequence change replaces alanine, which is neutral and non-polar, with valine, which is neutral and non-polar, at codon 451 of the CHRNA2 protein (p.Ala451Val). This variant is present in population databases (rs753892989, gnomAD 0.02%). This variant has not been reported in the literature in individuals affected with CHRNA2-related conditions. ClinVar contains an entry for this variant (Variation ID: 859849). Invitae Evidence Modeling of protein sequence and biophysical properties (such as structural, functional, and spatial information, amino acid conservation, physicochemical variation, residue mobility, and thermodynamic stability) indicates that this missense variant is not expected to disrupt CHRNA2 protein function with a negative predictive value of 80%. In summary, the available evidence is currently insufficient to determine the role of this variant in disease. Therefore, it has been classified as a Variant of Uncertain Significance.

NM_000742.4(CHRNA2):c.1352C>T (p.Ala451Val)

Gene: CHRNA2 (cholinergic receptor nicotinic alpha 2 subunit; minus strand). Cytogenetic location: 8p21.2.
Variant type: single nucleotide variant.
Coding change: c.1352C>T on transcript NM_000742.4 (MANE Select); coding-DNA position 1352, C replaced by T.
Protein change: p.Ala451Val; replaces alanine 451 with valine.
Molecular consequence: missense variant.
Genome position (GRCh38, 1-based): chr8:27,463,091, G>A on the plus strand (C>T on the coding strand, the complement: CHRNA2 is on the minus strand). VCF-style: chr8-27463091-G-A. GRCh37 (hg19) VCF-style: chr8-27320608-G-A.
Other names: c.1307C>T, p.Ala436Val (NM_001282455.2); c.875C>T, p.Ala292Val (NM_001347705.2, NM_001347706.2); c.758C>T, p.Ala253Val (NM_001347707.2, NM_001347708.2); short protein forms A436V, A253V, A292V, A451V.
Identifiers: ClinVar variation 859849 (VCV000859849.6), dbSNP rs753892989, ClinGen allele CA4689475.
Genomic context (GRCh38, chr8:27,463,091, plus strand): 5'-TCCAGTGCCTTCTGCATGTGGGGTGATAGCAGCAGCTCACCCTCCTGCAGCAGAGCCTCA[G>A]CCTTGGGACCTGAGGCCCCAGAGTGCAGGTGGCCGTGGCTGCAGAGGGTGCCCACAGAGG-3'
Protein context (NP_000733.2, residues 441-461): HLHSGASGPK[Ala451Val]EALLQEGELL